The following is an entry in ClinVar:

NM_000260.4(MYO7A):c.4222C>T (p.Arg1408Cys)

Gene: MYO7A (myosin VIIA; plus strand). Cytogenetic location: 11q13.5.
Variant type: single nucleotide variant.
Coding change: c.4222C>T on transcript NM_000260.4 (MANE Select); coding-DNA position 4222, C replaced by T.
Protein change: p.Arg1408Cys; replaces arginine 1408 with cysteine.
Molecular consequence: missense variant.
Genome position (GRCh38, 1-based): chr11:77,194,423, C>T. VCF-style: chr11-77194423-C-T. GRCh37 (hg19) VCF-style: chr11-76905468-C-T.
Other names: c.4222C>T, p.Arg1408Cys (NM_001127180.2); c.4189C>T, p.Arg1397Cys (NM_001369365.1); c.4222C>T (NM_000260.3); short protein forms R1408C, R1397C.
Identifiers: ClinVar variation 499163 (VCV000499163.10), dbSNP rs377391891, ClinGen allele CA6198370.

ClinVar aggregate classification (germline): Uncertain significance. Review status: criteria provided, multiple submitters, no conflicts (2 of 4 stars). 5 submissions from 5 submitters: Uncertain significance (4). 1 of the submissions does not count toward it. Last evaluated 2025-10-27.

Conditions:
Inborn genetic diseases. Identifiers: MedGen C0950123, MeSH D030342.
Usher syndrome type 1 (USH1). Also called: RETINITIS PIGMENTOSA AND CONGENITAL DEAFNESS. Identifiers: Orphanet 231169, Orphanet 886, MedGen C1568247, MONDO:0010168, OMIM 276900.
Usher syndrome type 1B (USH1B). Also called: Usher syndrome type IB. Identifiers: MedGen C1848638, MONDO:0700087.

Allele frequency attached by ClinVar (database versions not stated): TOPMed 0.00002.
gnomAD v4.1: 28 of 1,612,056 alleles (0.0017%); highest among the groups gnomAD compares: African/African-American, 0.0053%; no homozygotes.

Submissions (5):

Labcorp Genetics (formerly Invitae), Labcorp
Classification: Uncertain significance. Last evaluated: 2025-10-27. Review status: criteria provided, single submitter. Criteria: Invitae Variant Classification Sherloc (09022015). Collection method: clinical testing. Allele origin: germline.
Comment: This sequence change replaces arginine, which is basic and polar, with cysteine, which is neutral and slightly polar, at codon 1408 of the MYO7A protein (p.Arg1408Cys). The frequency data for this variant in the population databases is considered unreliable, as metrics indicate poor data quality at this position in the gnomAD database. This variant has not been reported in the literature in individuals affected with MYO7A-related conditions. ClinVar contains an entry for this variant (Variation ID: 499163). Invitae Evidence Modeling of protein sequence and biophysical properties (such as structural, functional, and spatial information, amino acid conservation, physicochemical variation, residue mobility, and thermodynamic stability) indicates that this missense variant is not expected to disrupt MYO7A protein function with a negative predictive value of 95%. In summary, the available evidence is currently insufficient to determine the role of this variant in disease. Therefore, it has been classified as a Variant of Uncertain Significance.

Ambry Genetics
Classification: Uncertain significance for Inborn genetic diseases. Last evaluated: 2025-04-11. Review status: criteria provided, single submitter. Criteria: Ambry Variant Classification Scheme 2023. Collection method: clinical testing. Allele origin: germline.

New York Genome Center
Classification: Uncertain significance for Usher syndrome type 1. Last evaluated: 2021-04-30. Review status: criteria provided, single submitter. Criteria: NYGC Assertion Criteria 2020. Collection method: clinical testing. Allele origin: inherited. Observed: 1 compound heterozygote. Study: CSER-NYCKidSeq.

Eurofins Ntd Llc (ga)
Classification: Uncertain significance. Last evaluated: 2017-01-03. Review status: criteria provided, single submitter. Criteria: EGL Classification Definitions 2015. Collection method: clinical testing. Allele origin: germline. Observed: 1 variant allele, 1 heterozygote.

Natera, Inc.
Classification: Uncertain significance for Usher syndrome type 1B. Last evaluated: 2020-01-16. Review status: no assertion criteria provided. Collection method: clinical testing. Allele origin: germline. Not counted in ClinVar's aggregate classification.